The following is an entry in ClinVar:

NM_004260.4(RECQL4):c.187G>A (p.Glu63Lys)

Genes: RECQL4 (RecQ like helicase 4; minus strand), LOC130001411 (ATAC-STARR-seq lymphoblastoid silent region 19699; plus strand). Cytogenetic location: 8q24.3.
Variant type: single nucleotide variant.
Coding change: c.187G>A on transcript NM_004260.4 (MANE Select); coding-DNA position 187, G replaced by A.
Protein change: p.Glu63Lys; replaces glutamic acid 63 with lysine.
Molecular consequence: missense variant.
Genome position (GRCh38, 1-based): chr8:144,517,440, C>T on the plus strand (G>A on the coding strand, the complement: RECQL4 is on the minus strand). VCF-style: chr8-144517440-C-T. GRCh37 (hg19) VCF-style: chr8-145742824-C-T.
Other names: c.187G>A, p.Glu63Lys (NM_001413017.1, NM_001413018.1, NM_001413019.1 and 5 more transcripts); c.-534G>A (NM_001413021.1); c.-885G>A (NM_001413022.1, NM_001413023.1, NM_001413037.1 and 2 more transcripts); c.-782G>A (NM_001413024.1, NM_001413035.1); c.-947G>A (NM_001413027.1, NM_001413030.1, NM_001413031.1 and 1 more transcripts); c.-610G>A (NM_001413028.1); c.-844G>A (NM_001413032.1); c.-789G>A (NM_001413034.1); and 1 more; short protein forms E63K.
Identifiers: ClinVar variation 2419956 (VCV002419956.5), dbSNP rs1815347526, ClinGen allele CA372692565.

ClinVar aggregate classification (germline): Uncertain significance (1 of 4 stars; one submission).

Conditions:
Baller-Gerold syndrome (BGS). Also called: CRANIOSYNOSTOSIS WITH RADIAL DEFECTS. Identifiers: Orphanet 1225, MedGen C0265308, MONDO:0009039, OMIM 218600.

Submission:

Labcorp Genetics (formerly Invitae), Labcorp
Classification: Uncertain significance for Baller-Gerold syndrome. Last evaluated: 2022-08-10. Review status: criteria provided, single submitter. Criteria: Invitae Variant Classification Sherloc (09022015). Collection method: clinical testing. Allele origin: germline.
Comment: In summary, the available evidence is currently insufficient to determine the role of this variant in disease. Therefore, it has been classified as a Variant of Uncertain Significance. Experimental studies and prediction algorithms are not available or were not evaluated, and the functional significance of this variant is currently unknown. This variant has not been reported in the literature in individuals affected with RECQL4-related conditions. This variant is not present in population databases (gnomAD no frequency). This sequence change replaces glutamic acid, which is acidic and polar, with lysine, which is basic and polar, at codon 63 of the RECQL4 protein (p.Glu63Lys).